The following is an entry in ClinVar:

NM_001048174.2(MUTYH):c.260G>T (p.Arg87Ile)

Gene: MUTYH (mutY DNA glycosylase; minus strand). Cytogenetic location: 1p34.1.
Variant type: single nucleotide variant.
Coding change: c.260G>T on transcript NM_001048174.2 (MANE Select); coding-DNA position 260, G replaced by T.
Protein change: p.Arg87Ile; replaces arginine 87 with isoleucine.
Molecular consequence: missense variant. On other transcripts: non-coding transcript variant (7), 5 prime UTR variant (6).
Genome position (GRCh38, 1-based): chr1:45,333,417, C>A on the plus strand (G>T on the coding strand, the complement: MUTYH is on the minus strand). VCF-style: chr1-45333417-C-A. GRCh37 (hg19) VCF-style: chr1-45799089-C-A.
Other names: c.260G>T, p.Arg87Ile (NM_001407089.1, NM_001048171.2, NM_001048173.2 and 6 more transcripts); c.-17G>T (NM_001407091.1, NM_001293192.2, NM_001293196.2); c.335G>T, p.Arg112Ile (NM_012222.3, NM_001407069.1); c.263G>T, p.Arg88Ile (NM_001048172.2, NM_001407071.1, NM_001407078.1 and 2 more transcripts); c.344G>T, p.Arg115Ile (NM_001128425.2); c.305G>T, p.Arg102Ile (NM_001293190.2); c.293G>T, p.Arg98Ile (NM_001293191.2, NM_001407077.1); c.-12G>T (NM_001350650.2, NM_001350651.2, NM_001407082.1); and 3 more; short protein forms R115I, R88I, R102I, R59I, R87I, R101I, R94I, R98I.
Identifiers: ClinVar variation 4113608 (VCV004113608.1).

ClinVar aggregate classification (germline): Uncertain significance (1 of 4 stars; one submission).

Conditions:
Hereditary cancer-predisposing syndrome. Also called: Hereditary neoplastic syndrome; Neoplastic Syndromes, Hereditary; Tumor predisposition; Hereditary Cancer Syndrome. Identifiers: Orphanet 140162, MedGen C0027672, MeSH D009386, MONDO:0015356.

Submission:

Ambry Genetics
Classification: Uncertain significance for Hereditary cancer-predisposing syndrome. Last evaluated: 2025-08-27. Review status: criteria provided, single submitter. Criteria: Ambry Variant Classification Scheme 2023. Collection method: clinical testing. Allele origin: germline.
Comment: The p.R115I variant (also known as c.344G>T), located in coding exon 3 of the MUTYH gene, results from a G to T substitution at nucleotide position 344. The arginine at codon 115 is replaced by isoleucine, an amino acid with similar properties. This amino acid position is conserved. In addition, this alteration is predicted to be tolerated by in silico analysis. Based on the available evidence, the clinical significance of this variant remains unclear.